The following is an entry in ClinVar:

NM_000155.4(GALT):c.377+55T>C

Gene: GALT (galactose-1-phosphate uridylyltransferase; plus strand). Cytogenetic location: 9p13.3.
Variant type: single nucleotide variant.
Coding change: c.377+55T>C on transcript NM_000155.4 (MANE Select); 55 bases into the intron after coding-DNA position 377, T replaced by C.
Molecular consequence: intron variant.
Genome position (GRCh38, 1-based): chr9:34,647,760, T>C. VCF-style: chr9-34647760-T-C. GRCh37 (hg19) VCF-style: chr9-34647757-T-C.
Other names: c.51-72T>C (NM_001258332.2).
Identifiers: ClinVar variation 632831 (VCV000632831.1), dbSNP rs184214383, ClinGen allele CA192669638.

ClinVar aggregate classification (germline): Benign (1 of 4 stars; one submission).

Allele frequency attached by ClinVar (database versions not stated): gnomAD exomes 0.00016; ESP Exome Variant Server 0.00044; gnomAD 0.00184 and 0.00197; TOPMed 0.00198; 1000 Genomes Project 0.00220; 1000 Genomes Project 30x 0.00281.
gnomAD v4.1: 534 of 1,614,056 alleles (0.033%); highest among the groups gnomAD compares: African/African-American, 0.63%; 2 homozygotes.

Submission:

Women's Health and Genetics/Laboratory Corporation of America, LabCorp
Classification: Benign. Last evaluated: 2018-06-01. Review status: criteria provided, single submitter. Criteria: LabCorp Variant Classification Summary - May 2015. Collection method: clinical testing. Allele origin: germline.
Comment: Variant summary: GALT c.377+55T>C is located at a position not widely known to affect splicing. 5/5 computational tools predict no significant impact on normal splicing. However, these predictions have yet to be confirmed by functional studies. The observed variant frequency within African control individuals (0.0053) in the gnomAD database is approximately 2-folds higher than the estimated maximal expected allele frequency for a pathogenic variant in GALT causing Galactosemia phenotype (0.0029), strongly suggesting that the variant is a benign polymorphism found primarily in populations of African origin. To our knowledge, no occurrence of c.377+55T>C in individuals affected with Galactosemia and no experimental evidence demonstrating its impact on protein function have been reported. No clinical diagnostic laboratories have submitted clinical-significance assessments for this variant to ClinVar after 2014. Based on the evidence outlined above, the variant was classified as benign.